The following is an entry in ClinVar:

NM_006767.4(LZTR1):c.993+2T>G

Gene: LZTR1 (leucine zipper like post translational regulator 1; plus strand). Cytogenetic location: 22q11.21.
Variant type: single nucleotide variant.
Coding change: c.993+2T>G on transcript NM_006767.4 (MANE Select); the canonical splice donor site of the intron after coding-DNA position 993, T replaced by G.
Molecular consequence: splice donor variant.
Genome position (GRCh38, 1-based): chr22:20,991,831, T>G. VCF-style: chr22-20991831-T-G. GRCh37 (hg19) VCF-style: chr22-21346120-T-G.
Identifiers: ClinVar variation 1768648 (VCV001768648.8), dbSNP rs1924619856, ClinGen allele CA410781688.

ClinVar aggregate classification (germline): Likely pathogenic. Review status: criteria provided, multiple submitters, no conflicts (2 of 4 stars). 2 submissions from 2 submitters: Likely pathogenic (2). Last evaluated 2026-01-20.

Conditions:
Cardiovascular phenotype. Identifiers: MedGen CN230736.
Hereditary cancer-predisposing syndrome. Also called: Hereditary Cancer Syndrome; Hereditary neoplastic syndrome; Neoplastic Syndromes, Hereditary; Tumor predisposition. Identifiers: Orphanet 140162, MedGen C0027672, MeSH D009386, MONDO:0015356.

Allele frequency attached by ClinVar (database versions not stated): gnomAD exomes 0.00001.
gnomAD v4.1: 7 of 1,548,244 alleles (0.00045%); highest among the groups gnomAD compares: Non-Finnish European, 0.00061%; no homozygotes.

Submissions (2):

Labcorp Genetics (formerly Invitae), Labcorp
Classification: Likely pathogenic. Last evaluated: 2026-01-20. Review status: criteria provided, single submitter. Criteria: Invitae Variant Classification Sherloc (09022015). Collection method: clinical testing. Allele origin: germline.
Comment: This sequence change affects a donor splice site in intron 9 of the LZTR1 gene. It is expected to disrupt RNA splicing. Variants that disrupt the donor or acceptor splice site typically lead to a loss of protein function (PMID: 16199547), and loss-of-function variants in LZTR1 are known to be pathogenic (PMID: 24362817, 25335493, 25480913, 25795793, 29469822, 30368668, 30442762, 30442766, 30481304, 30859559). This variant is not present in population databases (gnomAD no frequency). Disruption of this splice site has been observed in individual(s) with congenital heart defects (PMID: 33084842). ClinVar contains an entry for this variant (Variation ID: 1768648). Algorithms developed to predict the effect of sequence changes on RNA splicing suggest that this variant may disrupt the consensus splice site. In summary, the currently available evidence indicates that the variant is pathogenic, but additional data are needed to prove that conclusively. Therefore, this variant has been classified as Likely Pathogenic.

Ambry Genetics
Classification: Likely pathogenic for Cardiovascular phenotype; Hereditary cancer-predisposing syndrome. Last evaluated: 2025-01-03. Review status: criteria provided, single submitter. Criteria: Ambry Variant Classification Scheme 2023. Collection method: clinical testing. Allele origin: germline.
Comment: The c.993+2T>G intronic variant results from a T to G substitution two nucleotides after coding exon 9 in the LZTR1 gene. This variant is considered to be rare based on population cohorts in the Genome Aggregation Database (gnomAD). This nucleotide position is highly conserved in available vertebrate species. In silico splice site analysis predicts that this alteration will weaken the native splice donor site and may result in the creation or strengthening of a novel splice donor site. RNA studies have demonstrated that this alteration results in abnormal splicing in the set of samples tested (Ambry internal data). Loss-of-function variants in LZTR1 are related to an increased risk for schwannomas and autosomal recessive Noonan syndrome; however, such associations with autosomal dominant Noonan syndrome have not been observed (Piotrowski A et al. Nat Genet. 2014 Feb;46:182-7; Yamamoto GL et al. J Med Genet. 2015 Jun;52:413-21; Johnston JJ et al. Genet Med. 2018 10;20:1175-1185). Based on the supporting evidence, this variant is likely pathogenic for an increased risk of LZTR1-related schwannomatosis (SWN) and would be expected to cause autosomal recessive Noonan syndrome when present along with a second pathogenic or likely pathogenic variant on the other allele; however, the association of this alteration with autosomal dominant Noonan syndrome is unlikely.

Literature cited by the submitters: PubMed 16199547 (cited by Labcorp Genetics (formerly Invitae), Labcorp); PubMed 24362817 (cited by Labcorp Genetics (formerly Invitae), Labcorp); PubMed 25335493 (cited by Labcorp Genetics (formerly Invitae), Labcorp); PubMed 25480913 (cited by Labcorp Genetics (formerly Invitae), Labcorp); PubMed 25795793 (cited by Labcorp Genetics (formerly Invitae), Labcorp); PubMed 29469822 (cited by Labcorp Genetics (formerly Invitae), Labcorp); PubMed 30368668 (cited by Labcorp Genetics (formerly Invitae), Labcorp); PubMed 30442762 (cited by Labcorp Genetics (formerly Invitae), Labcorp); PubMed 30442766 (cited by Labcorp Genetics (formerly Invitae), Labcorp); PubMed 30481304 (cited by Labcorp Genetics (formerly Invitae), Labcorp); PubMed 30859559 (cited by Labcorp Genetics (formerly Invitae), Labcorp); PubMed 33084842 (cited by Labcorp Genetics (formerly Invitae), Labcorp).